The following is an entry in ClinVar:

ClinVar aggregate classification (germline): Likely benign (1 of 4 stars; one submission).

Conditions:
Nicolaides-Baraitser syndrome (NCBRS). Also called: SMARCA2-Related Nicolaides-Baraitser Syndrome; Intellectual disability-sparse hair-brachydactyly syndrome. Identifiers: Orphanet 3051, MedGen C1303073, MONDO:0011053, OMIM 601358.

Submission:

Dr. med. U. Finckh, Human Genetics, Eurofins MVZ
Classification: Likely benign for Nicolaides-Baraitser syndrome. Review status: criteria provided, single submitter. Criteria: ACMG Guidelines, 2015. Collection method: clinical testing. Allele origin: maternal. Affected: no.

NM_003070.5(SMARCA2):c.3670G>A (p.Glu1224Lys)

Gene: SMARCA2 (SWI/SNF related BAF chromatin remodeling complex subunit ATPase 2; plus strand). Cytogenetic location: 9p24.3.
Variant type: single nucleotide variant.
Coding change: c.3670G>A on transcript NM_003070.5 (MANE Select); coding-DNA position 3670, G replaced by A.
Protein change: p.Glu1224Lys; replaces glutamic acid 1224 with lysine.
Molecular consequence: missense variant.
Genome position (GRCh38, 1-based): chr9:2,116,035, G>A. VCF-style: chr9-2116035-G-A. GRCh37 (hg19) VCF-style: chr9-2116035-G-A.
Other names: c.3670G>A, p.Glu1224Lys (NM_001289396.2, NM_139045.4); c.3496G>A, p.Glu1166Lys (NM_001289397.2); short protein forms E1166K, E1224K.
Identifiers: ClinVar variation 2505577 (VCV002505577.1), dbSNP rs2537404894, ClinGen allele CA372789103.